The following is an entry in ClinVar:

ClinVar aggregate classification (germline): Uncertain significance. Review status: criteria provided, multiple submitters, no conflicts (2 of 4 stars). 2 submissions from 2 submitters: Uncertain significance (2). Last evaluated 2025-12-26.

gnomAD v4.1: 29 of 1,613,832 alleles (0.0018%); highest among the groups gnomAD compares: Non-Finnish European, 0.0025%; no homozygotes.

Submissions (2):

Dasa
Classification: Uncertain significance. Last evaluated: 2025-12-26. Review status: criteria provided, single submitter. Criteria: DASA Assertion Criteria. Collection method: clinical testing. Allele origin: germline.
Comment: NM_015231.3(NUP160):c.19C>G (p.Leu7Val) is a missense variant that results in the substitution of leucine with valine. This variant is rare in population databases. Computational prediction algorithms are consistent with a benign effect. The currently available literature and clinical evidence are not sufficient to establish a definitive association between this variant and the reported condition. Therefore, this variant is classified as a variant of uncertain significance.

Ambry Genetics
Classification: Uncertain significance. Last evaluated: 2025-12-04. Review status: criteria provided, single submitter. Criteria: Ambry Variant Classification Scheme 2023. Collection method: clinical testing. Allele origin: germline.

NM_015231.3(NUP160):c.19C>G (p.Leu7Val)

Genes: NUP160 (nucleoporin 160; minus strand), LOC130005685 (ATAC-STARR-seq lymphoblastoid active region 4704; plus strand). Cytogenetic location: 11p11.2.
Variant type: single nucleotide variant.
Coding change: c.19C>G on transcript NM_015231.3 (MANE Select); coding-DNA position 19, C replaced by G.
Protein change: p.Leu7Val; replaces leucine 7 with valine.
Molecular consequence: missense variant. On other transcripts: non-coding transcript variant (1).
Genome position (GRCh38, 1-based): chr11:47,848,300, G>C on the plus strand (C>G on the coding strand, the complement: NUP160 is on the minus strand). VCF-style: chr11-47848300-G-C. GRCh37 (hg19) VCF-style: chr11-47869852-G-C.
Other names: c.121C>G, p.Leu41Val (NM_001318399.1); short protein forms L41V, L7V.
Identifiers: ClinVar variation 4559841 (VCV004559841.3).